The following is an entry in ClinVar:

NM_012210.4(TRIM32):c.206G>A (p.Arg69His)

Genes: ASTN2 (astrotactin 2; minus strand), TRIM32 (tripartite motif containing 32; plus strand). Cytogenetic location: 9q33.1.
Variant type: single nucleotide variant.
Coding change: c.206G>A on transcript NM_012210.4 (MANE Select); coding-DNA position 206, G replaced by A.
Protein change: p.Arg69His; replaces arginine 69 with histidine.
Molecular consequence: missense variant. On other transcripts: intron variant (3).
Genome position (GRCh38, 1-based): chr9:116,697,948, G>A. VCF-style: chr9-116697948-G-A. GRCh37 (hg19) VCF-style: chr9-119460227-G-A.
Other names: c.2653+27823C>T (NM_014010.5); c.2794+27823C>T (NM_001365069.1); c.2806+27823C>T (NM_001365068.1); c.206G>A, p.Arg69His (NM_001099679.2, NM_001379048.1, NM_001379049.1 and 1 more transcripts); short protein forms R69H.
Identifiers: ClinVar variation 963499 (VCV000963499.14), dbSNP rs11556350, ClinGen allele CA5210921.

ClinVar aggregate classification (germline): Uncertain significance. Review status: criteria provided, multiple submitters, no conflicts (2 of 4 stars). 6 submissions from 6 submitters: Uncertain significance (6). Last evaluated 2025-06-30.

Conditions:
Bardet-Biedl syndrome 11 (BBS11). Identifiers: Orphanet 110, MedGen C1859569, MONDO:0014439, OMIM 615988.
Sarcotubular myopathy (LGMDR8). Also called: Hutterite type of muscular dystrophy; Autosomal recessive limb-girdle muscular dystrophy type 2H; Limb-girdle muscular dystrophy, type 2H; MUSCULAR DYSTROPHY, LIMB-GIRDLE, AUTOSOMAL RECESSIVE 8. Identifiers: Orphanet 1878, MedGen C0270968, MONDO:0009683, OMIM 254110.
TRIM32-related disorder. Also called: TRIM32-related condition.
Bardet-Biedl syndrome (BBS). Identifiers: Orphanet 110, MedGen C0752166, MONDO:0015229.
Inborn genetic diseases. Identifiers: MedGen C0950123, MeSH D030342.

Allele frequency attached by ClinVar (database versions not stated): ExAC 0.00003; gnomAD 0.00003 and 0.00004; TOPMed 0.00003; gnomAD exomes 0.00004.
gnomAD v4.1: 45 of 1,614,038 alleles (0.0028%); highest among the groups gnomAD compares: East Asian, 0.027%; no homozygotes.

Submissions (6):

PreventionGenetics, part of Exact Sciences
Classification: Uncertain significance for TRIM32-related condition. Last evaluated: 2025-06-30. Review status: criteria provided, single submitter. Criteria: ACMG Guidelines, 2015. Collection method: clinical testing. Allele origin: germline.
Comment: The TRIM32 c.206G>A variant is predicted to result in the amino acid substitution p.Arg69His. To our knowledge, this variant has not been reported in the literature. This variant is reported in 0.035% of alleles in individuals of East Asian descent in gnomAD. At this time, the clinical significance of this variant is uncertain due to the absence of conclusive functional and genetic evidence.

Labcorp Genetics (formerly Invitae), Labcorp
Classification: Uncertain significance for Bardet-Biedl syndrome. Last evaluated: 2024-10-18. Review status: criteria provided, single submitter. Criteria: Invitae Variant Classification Sherloc (09022015). Collection method: clinical testing. Allele origin: germline.
Comment: This sequence change replaces arginine, which is basic and polar, with histidine, which is basic and polar, at codon 69 of the TRIM32 protein (p.Arg69His). This variant is present in population databases (rs11556350, gnomAD 0.03%). This variant has not been reported in the literature in individuals affected with TRIM32-related conditions. ClinVar contains an entry for this variant (Variation ID: 963499). An algorithm developed to predict the effect of missense changes on protein structure and function (PolyPhen-2) suggests that this variant¬†is likely to be tolerated. In summary, the available evidence is currently insufficient to determine the role of this variant in disease. Therefore, it has been classified as a Variant of Uncertain Significance.

Revvity Omics, Revvity
Classification: Uncertain significance. Last evaluated: 2024-04-10. Review status: criteria provided, single submitter. Criteria: ACMG Guidelines, 2015. Collection method: clinical testing. Allele origin: germline.

Ambry Genetics
Classification: Uncertain significance for Inborn genetic diseases. Last evaluated: 2024-03-15. Review status: criteria provided, single submitter. Criteria: Ambry Variant Classification Scheme 2023. Collection method: clinical testing. Allele origin: germline.

Blueprint Genetics
Classification: Uncertain significance. Last evaluated: 2023-09-19. Review status: criteria provided, single submitter. Criteria: ACMG Guidelines, 2015. Collection method: clinical testing. Allele origin: germline.

Fulgent Genetics
Classification: Uncertain significance for Sarcotubular myopathy; Bardet-Biedl syndrome 11. Last evaluated: 2021-11-29. Review status: criteria provided, single submitter. Criteria: ACMG Guidelines, 2015. Collection method: clinical testing. Allele origin: unknown.